The following is an entry in ClinVar:

NM_024426.6(WT1):c.28_29delinsAT (p.Ala10Ile)

Genes: WT1 (WT1 transcription factor; minus strand), LOC107982234 (WT1/WT1-AS bi-directional promoter region; plus strand). Cytogenetic location: 11p13.
Variant type: Indel.
Coding change: c.28_29delinsAT on transcript NM_024426.6 (MANE Select); coding-DNA positions 28 to 29, GC replaced by AT.
Protein change: p.Ala10Ile; replaces alanine 10 with isoleucine.
Molecular consequence: missense variant. On other transcripts: non-coding transcript variant (1).
Genome position (GRCh38, 1-based): chr11:32,435,332-32,435,333, GC replaced by AT on the plus strand (GC replaced by AT on the coding strand, the reverse complement: WT1 is on the minus strand). VCF-style: chr11-32435332-GC-AT. GRCh37 (hg19) VCF-style: chr11-32456878-GC-AT.
Other names: c.28_29delinsAT, p.Ala10Ile (NM_000378.6, NM_024424.5); c.13_14delGCinsAT (NM_024426.4); short protein forms A10I.
Identifiers: ClinVar variation 476686 (VCV000476686.13), dbSNP rs1554946803, ClinGen allele CA658658041.
Genomic context (GRCh38, chr11:32,435,332, plus strand): 5'-AGGCACCCAGGCCCGGAGCGGAGCGTGTGCTGAGACGCCGGCTCCGGGACACACGTGGAA[GC>AT]CGGGTCCTGCAGCAAGAGGAAGTCCAGGATCGCGGCGAGGAGACGGCGGGGCCCGGGCGC-3'
Protein context (NP_077744.4, residues 1-20): MDFLLLQDP[Ala10Ile]STCVPEPASQ

ClinVar aggregate classification (germline): Uncertain significance. Review status: criteria provided, multiple submitters, no conflicts (2 of 4 stars). 3 submissions from 3 submitters: Uncertain significance (3). Last evaluated 2025-02-24.

Conditions:
Wilms tumor 1 (WT1). Also called: Wilms tumor, somatic. Identifiers: Orphanet 654, MedGen CN033288, MONDO:0008679, OMIM 194070.
Drash syndrome (DDS). Also called: NEPHROPATHY, WILMS TUMOR, AND GENITAL ANOMALIES; WILMS TUMOR AND PSEUDO- OR TRUE HERMAPHRODITISM. Identifiers: Orphanet 220, MedGen C0950121, MONDO:0008682, OMIM 194080.
11p partial monosomy syndrome (WAGR). Also called: WAGR Spectrum Disorder; CHROMOSOME 11p13 DELETION SYNDROME; WAGR syndrome; WAGR Complex. Identifiers: Orphanet 893, MedGen C0206115, MONDO:0008681, OMIM 194072.
Frasier syndrome. Identifiers: Orphanet 347, MedGen C0950122, MeSH D052159, MONDO:0007635, OMIM 136680.
Inborn genetic diseases. Identifiers: MedGen C0950123, MeSH D030342.

Submissions (3):

Ambry Genetics
Classification: Uncertain significance for Inborn genetic diseases. Last evaluated: 2025-02-24. Review status: criteria provided, single submitter. Criteria: Ambry Variant Classification Scheme 2023. Collection method: clinical testing. Allele origin: germline.
Comment: The c.13_14delGCinsAT variant, located in coding exon 1 of the WT1 gene, results from an in-frame deletion of GC and insertion of AT at nucleotide positions 13 to 14. This results in the substitution of the alanine residue for an isoleucine residue at codon 5, an amino acid with similar properties. This amino acid position is well conserved in available vertebrate species. In addition, this alteration is predicted to be neutral by in silico analysis (Choi Y et al. PLoS ONE. 2012; 7(10):e46688). Based on the available evidence, the clinical significance of this variant remains unclear.

Labcorp Genetics (formerly Invitae), Labcorp
Classification: Uncertain significance for Wilms tumor 1; Drash syndrome; 11p partial monosomy syndrome; Frasier syndrome. Last evaluated: 2024-04-29. Review status: criteria provided, single submitter. Criteria: Invitae Variant Classification Sherloc (09022015). Collection method: clinical testing. Allele origin: germline.
Comment: This sequence change replaces alanine, which is neutral and non-polar, with isoleucine, which is neutral and non-polar, at codon 5 of the WT1 protein (p.Ala5Ile). The frequency data for this variant in the population databases is considered unreliable, as metrics indicate poor data quality at this position in the gnomAD database. This variant has not been reported in the literature in individuals affected with WT1-related conditions. ClinVar contains an entry for this variant (Variation ID: 476686). An algorithm developed to predict the effect of missense changes on protein structure and function (PolyPhen-2) suggests that this variant¬¨‚Ä†is likely to be tolerated. In summary, the available evidence is currently insufficient to determine the role of this variant in disease. Therefore, it has been classified as a Variant of Uncertain Significance.

GeneDx
Classification: Uncertain significance. Last evaluated: 2023-10-23. Review status: criteria provided, single submitter. Criteria: GeneDx Variant Classification Process June 2021. Collection method: clinical testing. Allele origin: germline. Affected: yes.
Comment: Not observed at significant frequency in large population cohorts (gnomAD); Has not been previously published as pathogenic or benign to our knowledge